The following is an entry in ClinVar:

NM_023036.6(DNAI2):c.579C>T (p.Gly193=)

Gene: DNAI2 (dynein axonemal intermediate chain 2; plus strand). Cytogenetic location: 17q25.1.
Variant type: single nucleotide variant.
Coding change: c.579C>T on transcript NM_023036.6 (MANE Select); coding-DNA position 579, C replaced by T.
Protein change: p.Gly193=; no amino-acid change (glycine 193 retained).
Molecular consequence: synonymous variant. On other transcripts: non-coding transcript variant (1).
Genome position (GRCh38, 1-based): chr17:74,289,705, C>T. VCF-style: chr17-74289705-C-T. GRCh37 (hg19) VCF-style: chr17-72285844-C-T.
Other names: c.579C>T, p.Gly193= (NM_001172810.3, NM_001353167.2).
Identifiers: ClinVar variation 1749700 (VCV001749700.2), dbSNP rs2051967453, ClinGen allele CA501732011.

ClinVar aggregate classification (germline): Uncertain significance (1 of 4 stars; one submission).

Conditions:
Primary ciliary dyskinesia. Also called: Ciliary dyskinesia. Identifiers: Orphanet 244, MedGen C0008780, MONDO:0016575, HP:0012265.

Allele frequency attached by ClinVar (database versions not stated): gnomAD exomes below 0.00001; TOPMed below 0.00001; gnomAD 0.00001.
gnomAD v4.1: 3 of 1,613,880 alleles (0.00019%); highest among the groups gnomAD compares: Non-Finnish European, 0.00017%; no homozygotes.

Submission:

Ambry Genetics
Classification: Uncertain significance for Primary ciliary dyskinesia. Last evaluated: 2022-09-29. Review status: criteria provided, single submitter. Criteria: Ambry Variant Classification Scheme 2023. Collection method: clinical testing. Allele origin: germline.
Comment: The c.579C>T variant (also known as p.G193G), located in coding exon 4 of the DNAI2 gene, results from a C to T substitution at nucleotide position 579. This nucleotide substitution does not change the at codon 193. This nucleotide position is well conserved in available vertebrate species. In silico splice site analysis predicts that this alteration will result in the creation or strengthening of a novel splice donor site. Since supporting evidence is limited at this time, the clinical significance of this alteration remains unclear.